The following is an entry in ClinVar:

NM_080669.6(SLC46A1):c.1315C>G (p.Leu439Val)

Genes: SARM1 (sterile alpha and TIR motif containing 1; plus strand), SLC46A1 (solute carrier family 46 member 1; minus strand). Cytogenetic location: 17q11.2.
Variant type: single nucleotide variant.
Coding change: c.1315C>G on transcript NM_080669.6 (MANE Select); coding-DNA position 1315, C replaced by G.
Protein change: p.Leu439Val; replaces leucine 439 with valine.
Molecular consequence: missense variant. On other transcripts: 3 prime UTR variant (1).
Genome position (GRCh38, 1-based): chr17:28,400,617, G>C on the plus strand (C>G on the coding strand, the complement: SLC46A1 is on the minus strand). VCF-style: chr17-28400617-G-C. GRCh37 (hg19) VCF-style: chr17-26727633-G-C.
Other names: c.1231C>G, p.Leu411Val (NM_001242366.3); c.*4331G>C (NM_015077.4); short protein forms L411V, L439V.
Identifiers: ClinVar variation 2080771 (VCV002080771.4), dbSNP rs2508262252, ClinGen allele CA398342173.

ClinVar aggregate classification (germline): Uncertain significance (1 of 4 stars; one submission).

Submission:

Labcorp Genetics (formerly Invitae), Labcorp
Classification: Uncertain significance. Last evaluated: 2024-10-16. Review status: criteria provided, single submitter. Criteria: Invitae Variant Classification Sherloc (09022015). Collection method: clinical testing. Allele origin: germline.
Comment: This sequence change replaces leucine, which is neutral and non-polar, with valine, which is neutral and non-polar, at codon 439 of the SLC46A1 protein (p.Leu439Val). This variant is not present in population databases (gnomAD no frequency). This variant has not been reported in the literature in individuals affected with SLC46A1-related conditions. ClinVar contains an entry for this variant (Variation ID: 2080771). Invitae Evidence Modeling of protein sequence and biophysical properties (such as structural, functional, and spatial information, amino acid conservation, physicochemical variation, residue mobility, and thermodynamic stability) indicates that this missense variant is not expected to disrupt SLC46A1 protein function with a negative predictive value of 80%. In summary, the available evidence is currently insufficient to determine the role of this variant in disease. Therefore, it has been classified as a Variant of Uncertain Significance.